The following is an entry in ClinVar:

ClinVar aggregate classification (germline): Uncertain significance (1 of 4 stars; one submission).

Conditions:
Ehlers-Danlos syndrome, kyphoscoliotic type 1 (EDSKSCL1). Also called: EHLERS-DANLOS SYNDROME, OCULAR-SCOLIOTIC TYPE; Ehlers-Danlos syndrome, hydroxylysine-deficient; EHLERS-DANLOS SYNDROME, TYPE VIA; PLOD1-Related Kyphoscoliotic Ehlers-Danlos Syndrome. Identifiers: Orphanet 1900, MedGen C0268342, MONDO:0016002, OMIM 225400. Disease mechanism: loss of function.

Submission:

Labcorp Genetics (formerly Invitae), Labcorp
Classification: Uncertain significance for Ehlers-Danlos syndrome, kyphoscoliotic type 1. Last evaluated: 2020-03-09. Review status: criteria provided, single submitter. Criteria: Invitae Variant Classification Sherloc (09022015). Collection method: clinical testing. Allele origin: germline.
Comment: In summary, the available evidence is currently insufficient to determine the role of this variant in disease. Therefore, it has been classified as a Variant of Uncertain Significance. Algorithms developed to predict the effect of missense changes on protein structure and function (SIFT, PolyPhen-2, Align-GVGD) all suggest that this variant is likely to be tolerated, but these predictions have not been confirmed by published functional studies and their clinical significance is uncertain. This variant has not been reported in the literature in individuals with PLOD1-related conditions. This variant is not present in population databases (ExAC no frequency). This sequence change replaces valine with alanine at codon 435 of the PLOD1 protein (p.Val435Ala). The valine residue is highly conserved and there is a small physicochemical difference between valine and alanine.

NM_000302.4(PLOD1):c.1304T>C (p.Val435Ala)

Gene: PLOD1 (procollagen-lysine,2-oxoglutarate 5-dioxygenase 1; plus strand). Cytogenetic location: 1p36.22.
Variant type: single nucleotide variant.
Coding change: c.1304T>C on transcript NM_000302.4 (MANE Select); coding-DNA position 1304, T replaced by C.
Protein change: p.Val435Ala; replaces valine 435 with alanine.
Molecular consequence: missense variant.
Genome position (GRCh38, 1-based): chr1:11,964,276, T>C. VCF-style: chr1-11964276-T-C. GRCh37 (hg19) VCF-style: chr1-12024333-T-C.
Other names: c.1445T>C, p.Val482Ala (NM_001316320.2); short protein forms V435A, V482A.
Identifiers: ClinVar variation 1006333 (VCV001006333.9), dbSNP rs1645800221, ClinGen allele CA338441596.
Genomic context (GRCh38, chr1:11,964,276, plus strand): 5'-GGTCGAACTTCTGGGGGGCTCTCAGTGCAGATGGCTACTATGCCCGTTCCGAGGACTACG[T>C]GGACATTGTGCAGGGGCGGCGTGTGTGAGTACCTGCAGGGTGGGGGTGGGTGGGGGACAC-3'
Protein context (NP_000293.2, residues 425-445): DGYYARSEDY[Val435Ala]DIVQGRRVGV